The following is an entry in ClinVar:

ClinVar aggregate classification (germline): Conflicting classifications of pathogenicity. Review status: criteria provided, conflicting classifications (1 of 4 stars). 13 submissions from 13 submitters: Uncertain significance (7); Benign (1); Likely benign (4). 1 of the submissions does not count toward it. Last evaluated 2026-03-03.

Conditions:
NBN-related disorder. Also called: NBN-related condition.
Hereditary cancer-predisposing syndrome. Also called: Hereditary neoplastic syndrome; Tumor predisposition; Neoplastic Syndromes, Hereditary; Hereditary Cancer Syndrome. Identifiers: Orphanet 140162, MedGen C0027672, MeSH D009386, MONDO:0015356.
Microcephaly, normal intelligence and immunodeficiency (NBS). Also called: BERLIN BREAKAGE SYNDROME; IMMUNODEFICIENCY, MICROCEPHALY, AND CHROMOSOMAL INSTABILITY; Immunodeficiency, microcephaly with normal intelligence; Ataxia telangiectasia variant V1; Nijmegen breakage syndrome; Microcephaly with normal intelligence immunodeficiency and lymphoreticular malignancies. Identifiers: Orphanet 647, MedGen C0398791, MONDO:0009623, OMIM 251260.

Allele frequency attached by ClinVar (database versions not stated): gnomAD exomes 0.00016; ExAC 0.00021; gnomAD 0.00058 and 0.00059; ESP Exome Variant Server 0.00062; TOPMed 0.00068; 1000 Genomes Project 0.00120; 1000 Genomes Project 30x 0.00156.
gnomAD v4.1: 169 of 1,613,202 alleles (0.01%); highest among the groups gnomAD compares: African/African-American, 0.22%; no homozygotes.

Submissions (13):

Dasa
Classification: Likely benign. Last evaluated: 2026-03-03. Review status: criteria provided, single submitter. Criteria: DASA Assertion Criteria. Collection method: clinical testing. Allele origin: germline.
Comment: NM_002485.5(NBN):c.1777C>G (p.Pro593Ala) is a missense variant that results in the substitution of proline with alanine. Multiple computational predictions suggest no deleterious effect on the gene or gene product. The variant is present at low frequency in population datasets. Based on the available data, this variant is classified as likely benign.

Labcorp Genetics (formerly Invitae), Labcorp
Classification: Likely benign for Microcephaly, normal intelligence and immunodeficiency. Last evaluated: 2026-01-24. Review status: criteria provided, single submitter. Criteria: Invitae Variant Classification Sherloc (09022015). Collection method: clinical testing. Allele origin: germline.

Quest Diagnostics Nichols Institute San Juan Capistrano
Classification: Uncertain significance. Last evaluated: 2025-08-26. Review status: criteria provided, single submitter. Criteria: Quest Diagnostics criteria. Collection method: clinical testing. Allele origin: unknown.
Comment: The NBN c.1777C>G (p.Pro593Ala) variant has been reported in the published literature in individuals with breast cancer (PMID: 23555315 (2013), 25186627 (2015)) and various cancer types (PMID: 36346689 (2023)). The frequency of this variant in the general population (Genome Aggregation Database) is higher than would generally be expected for pathogenic variants in this gene. Analysis of this variant using bioinformatics tools for the prediction of the effect of amino acid changes on protein structure and function yielded predictions that this variant is benign. Based on the available information, we are unable to determine the clinical significance of this variant.

GeneDx
Classification: Uncertain significance. Last evaluated: 2023-05-05. Review status: criteria provided, single submitter. Criteria: GeneDx Variant Classification Process June 2021. Collection method: clinical testing. Allele origin: germline. Affected: yes.
Comment: In silico analysis supports that this missense variant does not alter protein structure/function; Observed in individuals with a personal or family history of breast and/or ovarian cancer (Haiman et al., 2013; Tung et al., 2015); This variant is associated with the following publications: (PMID: 23555315, 25186627)

Blueprint Genetics
Classification: Uncertain significance. Last evaluated: 2022-11-15. Review status: criteria provided, single submitter. Criteria: ACMG Guidelines, 2015. Collection method: clinical testing. Allele origin: germline.

Sema4
Classification: Uncertain significance for Hereditary cancer-predisposing syndrome. Last evaluated: 2021-12-21. Review status: criteria provided, single submitter. Criteria: Sema4 Curation Guidelines. Collection method: curation. Allele origin: germline.
Comment: The NBN c.1777C>G (p.P593A) variant has been reported in individuals with breast cancer (PMID: 25186627, 23555315). This variant was observed in 53/24958 chromosomes in the African American (AFR) population, with no homozygotes, in the large and broad cohorts of the Genome Aggregation Database (PMID: 32461654). The variant has been reported in ClinVar (Variation ID: 127862). In silico tools suggest the impact of the variant on protein function is benign, though these predictions have not been confirmed by functional studies. The evidence is insufficient to meet ACMG/AMP criteria for classifying the variant as benign or pathogenic. Thus, the clinical significance of this variant is currently uncertain.

Genome-Nilou Lab
Classification: Uncertain significance for Microcephaly, normal intelligence and immunodeficiency. Last evaluated: 2021-11-07. Review status: criteria provided, single submitter. Criteria: ACMG Guidelines, 2015. Collection method: clinical testing. Allele origin: germline. Affected: no.

Ambry Genetics
Classification: Benign for Hereditary cancer-predisposing syndrome. Last evaluated: 2021-07-13. Review status: criteria provided, single submitter. Criteria: Ambry Variant Classification Scheme 2023. Collection method: clinical testing. Allele origin: germline.

Department of Pathology and Laboratory Medicine, Sinai Health System
Classification: Uncertain significance for Microcephaly, normal intelligence and immunodeficiency. Last evaluated: 2021-03-29. Review status: criteria provided, single submitter. Criteria: ACMG Guidelines, 2015. Collection method: clinical testing. Allele origin: germline. Affected: yes.

Mendelics
Classification: Likely benign for Microcephaly, normal intelligence and immunodeficiency. Last evaluated: 2019-05-28. Review status: criteria provided, single submitter. Criteria: Mendelics Assertion Criteria 2017. Collection method: clinical testing. Allele origin: unknown.

Women's Health and Genetics/Laboratory Corporation of America, LabCorp
Classification: Likely benign. Last evaluated: 2019-01-18. Review status: criteria provided, single submitter. Criteria: LabCorp Variant Classification Summary - May 2015. Collection method: clinical testing. Allele origin: germline.
Comment: Variant summary: NBN c.1777C>G (p.Pro593Ala) results in a non-conservative amino acid change in the encoded protein sequence. Four of five in-silico tools predict a benign effect of the variant on protein function. The variant allele was found at a frequency of 0.00019 in 276572 control chromosomes, predominantly at a frequency of 0.0022 within the African subpopulation in the gnomAD database. The observed variant frequency within African control individuals in the gnomAD database is approximately 17.6 fold of the estimated maximal expected allele frequency for a pathogenic variant in NBN causing Hereditary Breast and Ovarian Cancer phenotype (0.00013), strongly suggesting that the variant is a benign polymorphism found primarily in populations of African origin. c.1777C>G has been reported in the literature in individuals affected with Breast and Ovarian Cancer (Haiman_2013, Tung_2014). These report(s) do not provide unequivocal conclusions about association of the variant with Hereditary Breast and Ovarian Cancer. Co-occurrences with other pathogenic variant(s) have been reported (BRCA2 c.2808_2811delACAA, p.Ala938fsX21), providing supporting evidence for a benign role. To our knowledge, no experimental evidence demonstrating an impact on protein function has been reported. Five clinical diagnostic laboratories have submitted clinical-significance assessments for this variant to ClinVar after 2014 without evidence for independent evaluation, 4 classify as VUS while 1 classified as likley benign. Based on the evidence outlined above, the variant was classified as likely benign.

Genetic Services Laboratory, University of Chicago
Classification: Uncertain significance. Last evaluated: 2016-04-27. Review status: criteria provided, single submitter. Criteria: ACMG Guidelines, 2015. Collection method: clinical testing. Allele origin: germline. Affected: no.

PreventionGenetics, part of Exact Sciences
Classification: Likely benign for NBN-related condition. Last evaluated: 2022-03-17. Review status: no assertion criteria provided. Collection method: clinical testing. Allele origin: germline. Not counted in ClinVar's aggregate classification.
Comment: This variant is classified as likely benign based on ACMG/AMP sequence variant interpretation guidelines (Richards et al. 2015 PMID: 25741868, with internal and published modifications).

Literature cited by the submitters: PubMed 36346689 (cited by Quest Diagnostics Nichols Institute San Juan Capistrano); PubMed 23555315 (cited by 3 submitters); PubMed 25186627 (cited by 5 submitters).

NM_002485.5(NBN):c.1777C>G (p.Pro593Ala)

Gene: NBN (nibrin; minus strand). Cytogenetic location: 8q21.3.
Variant type: single nucleotide variant.
Coding change: c.1777C>G on transcript NM_002485.5 (MANE Select); coding-DNA position 1777, C replaced by G.
Protein change: p.Pro593Ala; replaces proline 593 with alanine.
Molecular consequence: missense variant.
Genome position (GRCh38, 1-based): chr8:89,953,312, G>C on the plus strand (C>G on the coding strand, the complement: NBN is on the minus strand). VCF-style: chr8-89953312-G-C. GRCh37 (hg19) VCF-style: chr8-90965540-G-C.
Other names: p.P593A:CCA>GCA; c.1531C>G, p.Pro511Ala (NM_001024688.3); short protein forms P593A, P511A.
Identifiers: ClinVar variation 127862 (VCV000127862.44), dbSNP rs146989944, ClinGen allele CA287910.